The following is an entry in ClinVar:

ClinVar aggregate classification (germline): Uncertain significance (1 of 4 stars; one submission).

Conditions:
Cardiovascular phenotype. Identifiers: MedGen CN230736.

Submission:

Ambry Genetics
Classification: Uncertain significance for Cardiovascular phenotype. Last evaluated: 2024-04-12. Review status: criteria provided, single submitter. Criteria: Ambry Variant Classification Scheme 2023. Collection method: clinical testing. Allele origin: germline.
Comment: The p.P594A variant (also known as c.1780C>G), located in coding exon 11 of the CBL gene, results from a C to G substitution at nucleotide position 1780. The proline at codon 594 is replaced by alanine, an amino acid with highly similar properties. This amino acid position is conserved. In addition, this alteration is predicted to be tolerated by in silico analysis. Based on the available evidence, the clinical significance of this variant remains unclear.

NM_005188.4(CBL):c.1780C>G (p.Pro594Ala)

Gene: CBL (Cbl proto-oncogene; plus strand). Cytogenetic location: 11q23.3.
Variant type: single nucleotide variant.
Coding change: c.1780C>G on transcript NM_005188.4 (MANE Select); coding-DNA position 1780, C replaced by G.
Protein change: p.Pro594Ala; replaces proline 594 with alanine.
Molecular consequence: missense variant.
Genome position (GRCh38, 1-based): chr11:119,285,405, C>G. VCF-style: chr11-119285405-C-G. GRCh37 (hg19) VCF-style: chr11-119156115-C-G.
Other names: short protein forms P594A.
Identifiers: ClinVar variation 3263619 (VCV003263619.1).